The following is an entry in ClinVar:

ClinVar aggregate classification (germline): Uncertain significance (1 of 4 stars; one submission).

Conditions:
Retinoblastoma (RB1). Also called: RETINOBLASTOMA, SOMATIC. Identifiers: Orphanet 790, MedGen C0035335, MeSH D012175, MONDO:0008380, OMIM 180200, HP:0009919. Disease mechanism: loss of function. Inheritance: Both sporadic and heritable forms are tested..

gnomAD v4.1: 1 of 1,607,524 alleles (0.000062%); highest among the groups gnomAD compares: Non-Finnish European, 0.000085%; no homozygotes.

Submission:

All of Us Research Program, National Institutes of Health
Classification: Uncertain significance for Retinoblastoma. Last evaluated: 2024-03-05. Review status: criteria provided, single submitter. Criteria: ACMG Guidelines, 2015. Collection method: clinical testing. Allele origin: germline. Inheritance: Autosomal dominant inheritance. Observed: 1 variant allele, 1 heterozygote.
Comment: This study involves interpretation of variants in research participants for the purpose of population health screening. Participant phenotype was not available at the time of variant classification. Additional details can be found in publication PMID: 35346344, PMCID: PMC8962531

NM_000321.3(RB1):c.2177C>T (p.Thr726Ile)

Gene: RB1 (RB transcriptional corepressor 1; plus strand). Cytogenetic location: 13q14.2.
Variant type: single nucleotide variant.
Coding change: c.2177C>T on transcript NM_000321.3 (MANE Select); coding-DNA position 2177, C replaced by T.
Protein change: p.Thr726Ile; replaces threonine 726 with isoleucine.
Molecular consequence: missense variant.
Genome position (GRCh38, 1-based): chr13:48,463,801, C>T. VCF-style: chr13-48463801-C-T. GRCh37 (hg19) VCF-style: chr13-49037937-C-T.
Other names: c.2177C>T, p.Thr726Ile (NM_001407165.1); short protein forms T726I.
Identifiers: ClinVar variation 3387576 (VCV003387576.1).